The following is an entry in ClinVar:

NM_001077365.2(POMT1):c.1704G>C (p.Gln568His)

Gene: POMT1 (protein O-mannosyltransferase 1; plus strand). Cytogenetic location: 9q34.13.
Variant type: single nucleotide variant.
Coding change: c.1704G>C on transcript NM_001077365.2 (MANE Select); coding-DNA position 1704, G replaced by C.
Protein change: p.Gln568His; replaces glutamine 568 with histidine.
Molecular consequence: missense variant. On other transcripts: non-coding transcript variant (10).
Genome position (GRCh38, 1-based): chr9:131,521,351, G>C. VCF-style: chr9-131521351-G-C. GRCh37 (hg19) VCF-style: chr9-134396738-G-C.
Other names: c.1542G>C, p.Gln514His (NM_001077366.2, NM_001353194.2); c.1704G>C, p.Gln568His (NM_001136113.2); c.1353G>C, p.Gln451His (NM_001136114.2, NM_001353195.2, NM_001374691.1 and 2 more transcripts); c.1770G>C, p.Gln590His (NM_001353193.2, NM_007171.4); c.1614G>C, p.Gln538His (NM_001353196.2); c.1608G>C, p.Gln536His (NM_001353197.2, NM_001353198.2); c.1419G>C, p.Gln473His (NM_001353199.2); c.1248G>C, p.Gln416His (NM_001353200.2); and 4 more; short protein forms Q590H, Q514H, Q416H, Q538H, Q451H, Q473H, Q536H, Q568H.
Identifiers: ClinVar variation 3246 (VCV000003246.16), dbSNP rs119462986, ClinGen allele CA116112.
Genomic context (GRCh38, chr9:131,521,351, plus strand): 5'-CTTCCCTCCCTGAGCAGAGGGCAGGTGGCTAACAGCATCTCCCATGTTCCCTTAGGCTCA[G>C]ATCCACCTACTTGGAAACATAGTGATCTGGGTTTCGGGCAGCCTCGCTCTGGCCATCTAC-3'
Protein context (NP_001070833.1, residues 558-578): AYWLHPRTSA[Gln568His]IHLLGNIVIW

ClinVar aggregate classification (germline): Conflicting classifications of pathogenicity. Review status: criteria provided, conflicting classifications (1 of 4 stars). 4 submissions from 4 submitters: Pathogenic (1); Likely pathogenic (1); Uncertain significance (1). 1 of the submissions does not count toward it. Last evaluated 2025-07-02.

Conditions:
Muscular dystrophy-dystroglycanopathy (congenital with impaired intellectual development), type B, 1. Also called: MUSCULAR DYSTROPHY, CONGENITAL, POMT1-RELATED; Muscular dystrophy-dystroglycanopathy (congenital with intellectual disability), type B1. Identifiers: MedGen C5436962, MONDO:0013159, OMIM 613155.
Autosomal recessive limb-girdle muscular dystrophy type 2K. Also called: MUSCULAR DYSTROPHY, LIMB-GIRDLE, TYPE 2K; MUSCULAR DYSTROPHY-DYSTROGLYCANOPATHY (LIMB-GIRDLE), TYPE C, 1. Identifiers: Orphanet 86812, MedGen C1836373, MONDO:0012248, OMIM 609308.
Walker-Warburg congenital muscular dystrophy. Also called: Muscular dystrophy-dystroglycanopathy, type A; Walker-Warburg syndrome. Identifiers: Orphanet 899, MedGen C0265221, MONDO:0000171.

Allele frequency attached by ClinVar (database versions not stated): gnomAD exomes below 0.00001; ExAC 0.00001.

Submissions (4):

Women's Health and Genetics/Laboratory Corporation of America, LabCorp
Classification: Uncertain significance. Last evaluated: 2025-07-02. Review status: criteria provided, single submitter. Criteria: LabCorp Variant Classification Summary - May 2015. Collection method: clinical testing. Allele origin: germline.
Comment: Variant summary: POMT1 c.1770G>C (p.Gln590His) results in a non-conservative amino acid change in the encoded protein sequence. Algorithms developed to predict the effect of missense changes on protein structure and function all suggest that this variant is likely to be disruptive. The variant allele was found at a frequency of 4e-06 in 251458 control chromosomes. c.1770G>C has been reported in the literature in compound heterozygous individuals affected with congenital muscular dystrophy with intellectual disability (e.g. vanReeuwijk_2006, Messina_2008, D'amico_2006). These data indicate that the variant may be associated with disease. At least one publication reports experimental evidence evaluating an impact on protein function, however, does not allow convincing conclusions about the variant effect (Ragni_2016). The following publications have been ascertained in the context of this evaluation (PMID: 18513969, 26245304, 16575835, 19299310, 16717220, 30454682, 31311558, 17161965, 20362685). ClinVar contains an entry for this variant (Variation ID: 3246). Based on the evidence outlined above, the variant was classified as VUS-possibly pathogenic.

Labcorp Genetics (formerly Invitae), Labcorp
Classification: Likely pathogenic for Muscular dystrophy-dystroglycanopathy (congenital with impaired intellectual development), type B, 1; Walker-Warburg congenital muscular dystrophy; Autosomal recessive limb-girdle muscular dystrophy type 2K. Last evaluated: 2023-01-22. Review status: criteria provided, single submitter. Criteria: Invitae Variant Classification Sherloc (09022015). Collection method: clinical testing. Allele origin: germline.
Comment: This variant is present in population databases (rs119462986, gnomAD 0.0009%). This sequence change replaces glutamine, which is neutral and polar, with histidine, which is basic and polar, at codon 590 of the POMT1 protein (p.Gln590His). This missense change has been observed in individual(s) with clinical features of muscular dystrophy-dystroglycanopathy (PMID: 16575835, 16717220, 18513969). In at least one individual the data is consistent with being in trans (on the opposite chromosome) from a pathogenic variant. In summary, the currently available evidence indicates that the variant is pathogenic, but additional data are needed to prove that conclusively. Therefore, this variant has been classified as Likely Pathogenic. Advanced modeling of protein sequence and biophysical properties (such as structural, functional, and spatial information, amino acid conservation, physicochemical variation, residue mobility, and thermodynamic stability) has been performed at Invitae for this missense variant, however the output from this modeling did not meet the statistical confidence thresholds required to predict the impact of this variant on POMT1 protein function. ClinVar contains an entry for this variant (Variation ID: 3246).

Eurofins Ntd Llc (ga)
Classification: Pathogenic. Last evaluated: 2013-10-25. Review status: criteria provided, single submitter. Criteria: EGL Classification Definitions. Collection method: clinical testing. Allele origin: germline. Observed: 2 variant alleles, 2 heterozygotes.

OMIM
Classification: Pathogenic for MUSCULAR DYSTROPHY-DYSTROGLYCANOPATHY (CONGENITAL WITH IMPAIRED INTELLECTUAL DEVELOPMENT), TYPE B, 1. Last evaluated: 2006-05-01. Review status: no assertion criteria provided. Collection method: literature only. Allele origin: germline. Not counted in ClinVar's aggregate classification.

Literature cited by the submitters: PubMed 31311558 (cited by Women's Health and Genetics/Laboratory Corporation of America, LabCorp); PubMed 16575835 (cited by 3 submitters); PubMed 18513969 (cited by Women's Health and Genetics/Laboratory Corporation of America, LabCorp and Labcorp Genetics (formerly Invitae), Labcorp); PubMed 26245304 (cited by Women's Health and Genetics/Laboratory Corporation of America, LabCorp); PubMed 19299310 (cited by Women's Health and Genetics/Laboratory Corporation of America, LabCorp); PubMed 17161965 (cited by Women's Health and Genetics/Laboratory Corporation of America, LabCorp); PubMed 20362685 (cited by Women's Health and Genetics/Laboratory Corporation of America, LabCorp); PubMed 30454682 (cited by Women's Health and Genetics/Laboratory Corporation of America, LabCorp); PubMed 16717220 (cited by Women's Health and Genetics/Laboratory Corporation of America, LabCorp and Labcorp Genetics (formerly Invitae), Labcorp).